The following is an entry in ClinVar:

NM_001256071.3(RNF213):c.5886C>A (p.Tyr1962Ter)

Gene: RNF213 (ring finger protein 213; plus strand). Cytogenetic location: 17q25.3.
Variant type: single nucleotide variant.
Coding change: c.5886C>A on transcript NM_001256071.3 (MANE Select); coding-DNA position 5886, C replaced by A.
Protein change: p.Tyr1962Ter; replaces tyrosine 1962 with a stop codon.
Molecular consequence: nonsense.
Genome position (GRCh38, 1-based): chr17:80,340,253, C>A. VCF-style: chr17-80340253-C-A. GRCh37 (hg19) VCF-style: chr17-78314053-C-A.
Other names: c.6033C>A, p.Tyr2011Ter (NM_001410195.1, NM_020914.5); short protein forms Y2011*, Y1962*.
Identifiers: ClinVar variation 2742250 (VCV002742250.3), dbSNP rs756785270, ClinGen allele CA8820380.

ClinVar aggregate classification (germline): Uncertain significance (1 of 4 stars; one submission).

Allele frequency attached by ClinVar (database versions not stated): gnomAD exomes below 0.00001; ExAC 0.00001.
gnomAD v4.1: 7 of 1,614,162 alleles (0.00043%); highest among the groups gnomAD compares: Non-Finnish European, 0.00059%; no homozygotes.

Submission:

Labcorp Genetics (formerly Invitae), Labcorp
Classification: Uncertain significance. Last evaluated: 2023-07-12. Review status: criteria provided, single submitter. Criteria: Invitae Variant Classification Sherloc (09022015). Collection method: clinical testing. Allele origin: germline.
Comment: In summary, the available evidence is currently insufficient to determine the role of this variant in disease. Therefore, it has been classified as a Variant of Uncertain Significance. Experimental studies and prediction algorithms are not available or were not evaluated, and the functional significance of this variant is currently unknown. This variant has not been reported in the literature in individuals affected with RNF213-related conditions. This variant is present in population databases (rs756785270, gnomAD 0.0009%). This sequence change creates a premature translational stop signal (p.Tyr1962*) in the RNF213 gene. It is expected to result in an absent or disrupted protein product. However, the current clinical and genetic evidence is not sufficient to establish whether loss-of-function variants in RNF213 cause disease.